The following is an entry in ClinVar:

NM_001005361.3(DNM2):c.2146G>C (p.Ala716Pro)

Gene: DNM2 (dynamin 2; plus strand). Cytogenetic location: 19p13.2.
Variant type: single nucleotide variant.
Coding change: c.2146G>C on transcript NM_001005361.3 (MANE Select); coding-DNA position 2146, G replaced by C.
Protein change: p.Ala716Pro; replaces alanine 716 with proline.
Molecular consequence: missense variant.
Genome position (GRCh38, 1-based): chr19:10,829,123, G>C. VCF-style: chr19-10829123-G-C. GRCh37 (hg19) VCF-style: chr19-10939799-G-C.
Other names: c.2146G>C, p.Ala716Pro (NM_001005360.3, NM_001190716.2); c.2134G>C, p.Ala712Pro (NM_001005362.3, NM_004945.4); short protein forms A712P, A716P.
Identifiers: ClinVar variation 2714963 (VCV002714963.3), dbSNP rs2513371786, ClinGen allele CA404042830.
Genomic context (GRCh38, chr19:10,829,123, plus strand): 5'-CTGGCCTACCTATACTCCTCGGCAGACCAGAGCAGCCTCATGGAGGAGTCGGCTGACCAG[G>C]CACAGCGGCGGGACGACATGCTGCGCATGTACCATGCCCTCAAGGAGGCGCTCAACATCA-3'
Protein context (NP_001005361.1, residues 706-726): SSLMEESADQ[Ala716Pro]QRRDDMLRMY

ClinVar aggregate classification (germline): Uncertain significance (1 of 4 stars; one submission).

Conditions:
Charcot-Marie-Tooth disease dominant intermediate B (CMTDIB). Also called: CHARCOT-MARIE-TOOTH NEUROPATHY, DOMINANT INTERMEDIATE B; Charcot-Marie-Tooth disease dominant intermediate 1; CMT DI1; Charcot-Marie-Tooth disease dominant intermediate I. Identifiers: Orphanet 100044, Orphanet 228179, MedGen C1847902, MONDO:0011674, OMIM 606482.

Submission:

Labcorp Genetics (formerly Invitae), Labcorp
Classification: Uncertain significance for Charcot-Marie-Tooth disease dominant intermediate B. Last evaluated: 2023-06-23. Review status: criteria provided, single submitter. Criteria: Invitae Variant Classification Sherloc (09022015). Collection method: clinical testing. Allele origin: germline.
Comment: This sequence change replaces alanine, which is neutral and non-polar, with proline, which is neutral and non-polar, at codon 716 of the DNM2 protein (p.Ala716Pro). This variant is not present in population databases (gnomAD no frequency). This variant has not been reported in the literature in individuals affected with DNM2-related conditions. Advanced modeling of protein sequence and biophysical properties (such as structural, functional, and spatial information, amino acid conservation, physicochemical variation, residue mobility, and thermodynamic stability) has been performed at Invitae for this missense variant, however the output from this modeling did not meet the statistical confidence thresholds required to predict the impact of this variant on DNM2 protein function. In summary, the available evidence is currently insufficient to determine the role of this variant in disease. Therefore, it has been classified as a Variant of Uncertain Significance.